The following is an entry in ClinVar:

NM_001276270.2(MBD4):c.368C>T (p.Ser123Leu)

Gene: MBD4 (methyl-CpG binding domain 4, DNA glycosylase; minus strand). Cytogenetic location: 3q21.3.
Variant type: single nucleotide variant.
Coding change: c.368C>T on transcript NM_001276270.2 (MANE Select); coding-DNA position 368, C replaced by T.
Protein change: p.Ser123Leu; replaces serine 123 with leucine.
Molecular consequence: missense variant. On other transcripts: intron variant (1).
Genome position (GRCh38, 1-based): chr3:129,437,276, G>A on the plus strand (C>T on the coding strand, the complement: MBD4 is on the minus strand). VCF-style: chr3-129437276-G-A. GRCh37 (hg19) VCF-style: chr3-129156119-G-A.
Other names: c.368C>T, p.Ser123Leu (NM_001276271.2, NM_001276272.2, NM_003925.3); c.247+532C>T (NM_001276273.2); short protein forms S123L.
Identifiers: ClinVar variation 1338160 (VCV001338160.10), dbSNP rs201341528, ClinGen allele CA2605532.

ClinVar aggregate classification (germline): Likely benign. Review status: criteria provided, multiple submitters, no conflicts (2 of 4 stars). 4 submissions from 4 submitters: Likely benign (4). Last evaluated 2026-01-31.

Conditions:
Inborn genetic diseases. Identifiers: MedGen C0950123, MeSH D030342.
MBD4-related disorder. Also called: MBD4-related condition.

Allele frequency attached by ClinVar (database versions not stated): gnomAD exomes 0.00005 and 0.00036; TOPMed 0.00011; gnomAD 0.00013 and 0.00017; ExAC 0.00033; 1000 Genomes Project 30x 0.00047; 1000 Genomes Project 0.00060.

Submissions (4):

Labcorp Genetics (formerly Invitae), Labcorp
Classification: Likely benign. Last evaluated: 2026-01-31. Review status: criteria provided, single submitter. Criteria: Invitae Variant Classification Sherloc (09022015). Collection method: clinical testing. Allele origin: germline.

PreventionGenetics, part of Exact Sciences
Classification: Likely benign for MBD4-related condition. Last evaluated: 2025-10-14. Review status: criteria provided, single submitter. Criteria: ACMG Guidelines, 2015. Collection method: clinical testing. Allele origin: germline.
Comment: This variant is classified as likely benign based on ACMG/AMP sequence variant interpretation guidelines (Richards et al. 2015 PMID: 25741868, with internal and published modifications).

Ambry Genetics
Classification: Likely benign for Inborn genetic diseases. Last evaluated: 2024-07-29. Review status: criteria provided, single submitter. Criteria: Ambry Variant Classification Scheme 2023. Collection method: clinical testing. Allele origin: germline.

Genetic Services Laboratory, University of Chicago
Classification: Likely benign. Last evaluated: 2021-11-19. Review status: criteria provided, single submitter. Criteria: ACMG Guidelines, 2015. Collection method: clinical testing. Allele origin: germline. Affected: no.